The following is an entry in ClinVar:

ClinVar aggregate classification (germline): Uncertain significance (1 of 4 stars; one submission).

Submission:

Labcorp Genetics (formerly Invitae), Labcorp
Classification: Uncertain significance. Last evaluated: 2025-11-02. Review status: criteria provided, single submitter. Criteria: Invitae Variant Classification Sherloc (09022015). Collection method: clinical testing. Allele origin: germline.
Comment: This sequence change replaces arginine, which is basic and polar, with glutamine, which is neutral and polar, at codon 421 of the KLF10 protein (p.Arg421Gln). This variant is not present in population databases (gnomAD no frequency). This variant has not been reported in the literature in individuals affected with KLF10-related conditions. An algorithm developed to predict the effect of missense changes on protein structure and function (PolyPhen-2) suggests that this variant is likely to be disruptive. In summary, the available evidence is currently insufficient to determine the role of this variant in disease. Therefore, it has been classified as a Variant of Uncertain Significance.

NM_005655.4(KLF10):c.1262G>A (p.Arg421Gln)

Gene: KLF10 (KLF transcription factor 10; minus strand). Cytogenetic location: 8q22.3.
Variant type: single nucleotide variant.
Coding change: c.1262G>A on transcript NM_005655.4 (MANE Select); coding-DNA position 1262, G replaced by A.
Protein change: p.Arg421Gln; replaces arginine 421 with glutamine.
Molecular consequence: missense variant. On other transcripts: non-coding transcript variant (2).
Genome position (GRCh38, 1-based): chr8:102,650,313, C>T on the plus strand (G>A on the coding strand, the complement: KLF10 is on the minus strand). VCF-style: chr8-102650313-C-T. GRCh37 (hg19) VCF-style: chr8-103662541-C-T.
Other names: c.1229G>A, p.Arg410Gln (NM_001032282.4); short protein forms R410Q, R421Q.
Identifiers: ClinVar variation 4749670 (VCV004749670.1).